The following is an entry in ClinVar:

ClinVar aggregate classification (germline): Uncertain significance. Review status: criteria provided, multiple submitters, no conflicts (2 of 4 stars). 2 submissions from 2 submitters: Uncertain significance (2). Last evaluated 2021-09-01.

Conditions:
RYR1-related disorder. Also called: RYR1-related disorders; RYR1-related condition. Identifiers: MedGen CN239331.

Submissions (2):

Labcorp Genetics (formerly Invitae), Labcorp
Classification: Uncertain significance for RYR1-related disorder. Last evaluated: 2021-09-01. Review status: criteria provided, single submitter. Criteria: Invitae Variant Classification Sherloc (09022015). Collection method: clinical testing. Allele origin: germline.
Comment: This sequence change replaces glycine with arginine at codon 1184 of the RYR1 protein (p.Gly1184Arg). The glycine residue is highly conserved and there is a moderate physicochemical difference between glycine and arginine. This variant is not present in population databases (ExAC no frequency). This variant has not been reported in the literature in individuals affected with RYR1-related conditions. Algorithms developed to predict the effect of missense changes on protein structure and function output the following: SIFT: "Deleterious"; PolyPhen-2: "Benign"; Align-GVGD: "Class C0". The arginine amino acid residue is found in multiple mammalian species, which suggests that this missense change does not adversely affect protein function. In summary, the available evidence is currently insufficient to determine the role of this variant in disease. Therefore, it has been classified as a Variant of Uncertain Significance.

GeneDx
Classification: Uncertain significance. Last evaluated: 2019-11-01. Review status: criteria provided, single submitter. Criteria: GeneDx Variant Classification Process June 2021. Collection method: clinical testing. Allele origin: germline. Affected: yes.
Comment: Not observed in large population cohorts (Lek et al., 2016); In silico analysis, which includes protein predictors and evolutionary conservation, supports a deleterious effect; Has not been previously published as pathogenic or benign to our knowledge

NM_000540.3(RYR1):c.3550G>A (p.Gly1184Arg)

Gene: RYR1 (ryanodine receptor 1; plus strand). Cytogenetic location: 19q13.2.
Variant type: single nucleotide variant.
Coding change: c.3550G>A on transcript NM_000540.3 (MANE Select); coding-DNA position 3550, G replaced by A.
Protein change: p.Gly1184Arg; replaces glycine 1184 with arginine.
Molecular consequence: missense variant.
Genome position (GRCh38, 1-based): chr19:38,469,134, G>A. VCF-style: chr19-38469134-G-A. GRCh37 (hg19) VCF-style: chr19-38959774-G-A.
Other names: c.3550G>A, p.Gly1184Arg (NM_001042723.2); short protein forms G1184R.
Identifiers: ClinVar variation 843005 (VCV000843005.7), dbSNP rs1968280304, ClinGen allele CA405638914.
Genomic context (GRCh38, chr19:38,469,134, plus strand): 5'-AATGGCGAGGTCCTCATGTCTGACTCAGGCTCCGAAACAGCCTTCCGGGAGATTGAGATT[G>A]GGGACGGTGAGGGCTGAGACCCCTTCACATGCCCTTTCTTGTTTTCCTCTGTCTCTCCCA-3'
Protein context (NP_000531.2, residues 1174-1194): SETAFREIEI[Gly1184Arg]DGFLPVCSLG